The following is an entry in ClinVar:

NM_004629.2(FANCG):c.869A>G (p.Tyr290Cys)

Gene: FANCG (FA complementation group G; minus strand). Cytogenetic location: 9p13.3.
Variant type: single nucleotide variant.
Coding change: c.869A>G on transcript NM_004629.2 (MANE Select); coding-DNA position 869, A replaced by G.
Protein change: p.Tyr290Cys; replaces tyrosine 290 with cysteine.
Molecular consequence: missense variant.
Genome position (GRCh38, 1-based): chr9:35,076,779, T>C on the plus strand (A>G on the coding strand, the complement: FANCG is on the minus strand). VCF-style: chr9-35076779-T-C. GRCh37 (hg19) VCF-style: chr9-35076776-T-C.
Other names: short protein forms Y290C.
Identifiers: ClinVar variation 1172742 (VCV001172742.4), dbSNP rs779840229, ClinGen allele CA5039922.

ClinVar aggregate classification (germline): Uncertain significance. Review status: criteria provided, multiple submitters, no conflicts (2 of 4 stars). 2 submissions from 2 submitters: Uncertain significance (2). Last evaluated 2025-05-07.

Conditions:
Fanconi anemia (FA). Also called: Fanconi's anemia. Identifiers: Orphanet 84, MedGen C0015625, MeSH D005199, MONDO:0019391.

Allele frequency attached by ClinVar (database versions not stated): gnomAD exomes 0.00001 and below 0.00001; TOPMed 0.00001; ExAC 0.00001.
gnomAD v4.1: 2 of 1,614,194 alleles (0.00012%); highest among the groups gnomAD compares: Non-Finnish European, 0.00017%; no homozygotes.

Submissions (2):

Labcorp Genetics (formerly Invitae), Labcorp
Classification: Uncertain significance for Fanconi anemia. Last evaluated: 2025-05-07. Review status: criteria provided, single submitter. Criteria: Invitae Variant Classification Sherloc (09022015). Collection method: clinical testing. Allele origin: germline.
Comment: This sequence change replaces tyrosine, which is neutral and polar, with cysteine, which is neutral and slightly polar, at codon 290 of the FANCG protein (p.Tyr290Cys). This variant is present in population databases (rs779840229, gnomAD 0.002%). This variant has not been reported in the literature in individuals affected with FANCG-related conditions. ClinVar contains an entry for this variant (Variation ID: 1172742). Invitae Evidence Modeling of protein sequence and biophysical properties (such as structural, functional, and spatial information, amino acid conservation, physicochemical variation, residue mobility, and thermodynamic stability) indicates that this missense variant is expected to disrupt FANCG protein function with a positive predictive value of 80%. In summary, the available evidence is currently insufficient to determine the role of this variant in disease. Therefore, it has been classified as a Variant of Uncertain Significance.

St. Jude Molecular Pathology, St. Jude Children's Research Hospital
Classification: Uncertain significance for Fanconi anemia. Last evaluated: 2021-03-17. Review status: criteria provided, single submitter. Criteria: St. Jude Assertion Criteria 2020. Collection method: clinical testing. Allele origin: germline.
Comment: The FANCG c.869A>G (p.Tyr290Cys) missense change has a maximum subpopulation frequency of 0.0018% in gnomAD v2.1.1 (PM2_Supporting). In silico tools are not in agreement about the effect on the gene or protein function and functional studies have not been performed. To our knowledge, this variant has not been reported in individuals with Fanconi anemia. In summary, this variant meets criteria to be classified as of uncertain significance based on the ACMG/AMP criteria: PM2_Supporting.